The following is an entry in ClinVar:

ClinVar aggregate classification (germline): Uncertain significance (1 of 4 stars; one submission).

Conditions:
Cornelia de Lange syndrome 1 (CDLS1). Also called: Brachmann de Lange syndrome; NIPBL-Related Cornelia de Lange Syndrome; TYPUS DEGENERATIVUS AMSTELODAMENSIS. Identifiers: Orphanet 199, MedGen C4551851, MONDO:0007387, OMIM 122470.

Submission:

Labcorp Genetics (formerly Invitae), Labcorp
Classification: Uncertain significance for Cornelia de Lange syndrome 1. Last evaluated: 2020-06-22. Review status: criteria provided, single submitter. Criteria: Invitae Variant Classification Sherloc (09022015). Collection method: clinical testing. Allele origin: germline.
Comment: In summary, the available evidence is currently insufficient to determine the role of this variant in disease. Therefore, it has been classified as a Variant of Uncertain Significance. Algorithms developed to predict the effect of missense changes on protein structure and function are either unavailable or do not agree on the potential impact of this missense change (SIFT: "Deleterious"; PolyPhen-2: "Possibly Damaging"; Align-GVGD: "Class C0"). This variant has not been reported in the literature in individuals with NIPBL-related conditions. This variant is not present in population databases (ExAC no frequency). This sequence change replaces serine with cysteine at codon 129 of the NIPBL protein (p.Ser129Cys). The serine residue is highly conserved and there is a moderate physicochemical difference between serine and cysteine.

NM_133433.4(NIPBL):c.386C>G (p.Ser129Cys)

Gene: NIPBL (NIPBL cohesin loading factor; plus strand). Cytogenetic location: 5p13.2.
Variant type: single nucleotide variant.
Coding change: c.386C>G on transcript NM_133433.4 (MANE Select); coding-DNA position 386, C replaced by G.
Protein change: p.Ser129Cys; replaces serine 129 with cysteine.
Molecular consequence: missense variant.
Genome position (GRCh38, 1-based): chr5:36,961,511, C>G. VCF-style: chr5-36961511-C-G. GRCh37 (hg19) VCF-style: chr5-36961613-C-G.
Other names: c.386C>G, p.Ser129Cys (NM_015384.5); short protein forms S129C.
Identifiers: ClinVar variation 1007210 (VCV001007210.8), dbSNP rs1741620942, ClinGen allele CA359475620.
Genomic context (GRCh38, chr5:36,961,511, plus strand): 5'-AAATAACGTTCTGTATTTTTGTGTTTTGCATAGGAATGATGATGTCTCAGTATAAACTTT[C>G]TCAGAATTCCATGCACAGTAGTCCTGCATCTTCCAATTATCAACAAACCACTATCTCACA-3'
Protein context (NP_597677.2, residues 119-139): SGMMMSQYKL[Ser129Cys]QNSMHSSPAS